The following is an entry in ClinVar:

NM_000094.4(COL7A1):c.7994G>C (p.Gly2665Ala)

Gene: COL7A1 (collagen type VII alpha 1 chain; minus strand). Cytogenetic location: 3p21.31.
Variant type: single nucleotide variant.
Coding change: c.7994G>C on transcript NM_000094.4 (MANE Select); coding-DNA position 7994, G replaced by C.
Protein change: p.Gly2665Ala; replaces glycine 2665 with alanine.
Molecular consequence: missense variant.
Genome position (GRCh38, 1-based): chr3:48,567,626, C>G on the plus strand (G>C on the coding strand, the complement: COL7A1 is on the minus strand). VCF-style: chr3-48567626-C-G. GRCh37 (hg19) VCF-style: chr3-48605059-C-G.
Other names: short protein forms G2665A.
Identifiers: ClinVar variation 2182574 (VCV002182574.5), dbSNP rs753853134, ClinGen allele CA2378208.
Genomic context (GRCh38, chr3:48,567,626, plus strand): 5'-CCCTGTACCTTGGGACCGATCAGGCCCTCCTTGCCAGGGGCCCCCGACTGGCCCGGCACA[C>G]CAGGCTCCCCCTGGAGAAAAAAAGACATGAACTTGGCCCCCGTCCACCCGTGGCCCCCTC-3'
Protein context (NP_000085.1, residues 2655-2675): AGHKGEMGEP[Gly2665Ala]VPGQSGAPGK

ClinVar aggregate classification (germline): Conflicting classifications of pathogenicity. Review status: criteria provided, conflicting classifications (1 of 4 stars). 2 submissions from 2 submitters: Likely pathogenic (1); Uncertain significance (1). Last evaluated 2024-12-16.

Conditions:
Nonsyndromic congenital nail disorder 8. Also called: TOENAIL DYSTROPHY, ISOLATED. Identifiers: MedGen C1843761, MONDO:0011852, OMIM 607523.
Transient bullous dermolysis of the newborn (TBDN). Also called: DYSTROPHIC EPIDERMOLYSIS BULLOSA, NEONATAL; EPIDERMOLYSIS BULLOSA DYSTROPHICA, NEONATAL FORM. Identifiers: Orphanet 79411, MedGen C1851573, MONDO:0007548, OMIM 131705.
Pretibial dystrophic epidermolysis bullosa. Also called: EPIDERMOLYSIS BULLOSA DYSTROPHICA, PRETIBIAL; Pretibial epidermolysis bullosa; Pretibial blistering. Identifiers: Orphanet 79410, MedGen C0432321, MONDO:0007552, OMIM 131850, HP:0012221.
Recessive dystrophic epidermolysis bullosa (RDEB). Also called: DYSTROPHIC EPIDERMOLYSIS BULLOSA, AUTOSOMAL RECESSIVE; EPIDERMOLYSIS BULLOSA DYSTROPHICA, HALLOPEAU-SIEMENS TYPE; EPIDERMOLYSIS BULLOSA DYSTROPHICA, GENERALIZED SEVERE, AUTOSOMAL RECESSIVE; epidermolysis bullosa dystrophica, autosomal recessive; Recessive DEB (RDEB); Hallopeau-Siemens Disease. Identifiers: Orphanet 79408, Orphanet 79409, MedGen C0079474, MONDO:0009179, OMIM 226600.
Dominant dystrophic epidermolysis bullosa with absence of skin. Also called: EPIDERMOLYSIS BULLOSA WITH CONGENITAL LOCALIZED ABSENCE OF SKIN AND DEFORMITY OF NAILS; EPIDERMOLYSIS BULLOSA DYSTROPHICA, BART TYPE. Identifiers: MedGen C0268371, MONDO:0007557, OMIM 132000.
Generalized dominant dystrophic epidermolysis bullosa (DDEB). Also called: Dominant DEB (DDEB); DDEB, generalized; DDEB-gen; DYSTROPHIC EPIDERMOLYSIS BULLOSA, AUTOSOMAL DOMINANT; Epidermolysis bullosa dystrophica, autosomal dominant. Identifiers: Orphanet 231568, MedGen C0432322, MONDO:0007549, OMIM 131750.
Epidermolysis bullosa pruriginosa. Also called: DEB, PRURIGINOSA; DYSTROPHIC EPIDERMOLYSIS BULLOSA PRURIGINOSA. Identifiers: Orphanet 89843, MedGen C1275114, MONDO:0011398, OMIM 604129.

Allele frequency attached by ClinVar (database versions not stated): gnomAD exomes below 0.00001; ExAC 0.00002.
gnomAD v4.1: 4 of 1,613,716 alleles (0.00025%); highest among the groups gnomAD compares: Non-Finnish European, 0.00034%; no homozygotes.

Submissions (2):

Labcorp Genetics (formerly Invitae), Labcorp
Classification: Uncertain significance. Last evaluated: 2024-12-16. Review status: criteria provided, single submitter. Criteria: Invitae Variant Classification Sherloc (09022015). Collection method: clinical testing. Allele origin: germline.
Comment: This sequence change replaces glycine, which is neutral and non-polar, with alanine, which is neutral and non-polar, at codon 2665 of the COL7A1 protein (p.Gly2665Ala). This variant is present in population databases (rs753853134, gnomAD 0.002%). This variant has not been reported in the literature in individuals affected with COL7A1-related conditions. ClinVar contains an entry for this variant (Variation ID: 2182574). Invitae Evidence Modeling of protein sequence and biophysical properties (such as structural, functional, and spatial information, amino acid conservation, physicochemical variation, residue mobility, and thermodynamic stability) indicates that this missense variant is expected to disrupt COL7A1 protein function with a positive predictive value of 95%. This variant disrupts the triple helix domain of COL7A1. Glycine residues within the Gly-Xaa-Yaa repeats of the triple helix domain are required for the structure and stability of fibrillar collagens (PMID: 7695699, 8218237, 19344236), and variants at these glycine residues in COL7A1 are more frequently observed in individuals with disease than in the general population (PMID: 22058051). However, the clinical significance of this observation remains uncertain since only a limited number of affected individuals have been described to date. In summary, the available evidence is currently insufficient to determine the role of this variant in disease. Therefore, it has been classified as a Variant of Uncertain Significance.

Fulgent Genetics
Classification: Likely pathogenic for Transient bullous dermolysis of the newborn; Generalized dominant dystrophic epidermolysis bullosa; Pretibial dystrophic epidermolysis bullosa; Dominant dystrophic epidermolysis bullosa with absence of skin; Recessive dystrophic epidermolysis bullosa; Epidermolysis bullosa pruriginosa; Nonsyndromic congenital nail disorder 8. Last evaluated: 2024-04-09. Review status: criteria provided, single submitter. Criteria: ACMG Guidelines, 2015. Collection method: clinical testing. Allele origin: germline.

Literature cited by the submitters: PubMed 7695699 (cited by Labcorp Genetics (formerly Invitae), Labcorp); PubMed 8218237 (cited by Labcorp Genetics (formerly Invitae), Labcorp); PubMed 19344236 (cited by Labcorp Genetics (formerly Invitae), Labcorp); PubMed 22058051 (cited by Labcorp Genetics (formerly Invitae), Labcorp).